The following is an entry in ClinVar:

ClinVar aggregate classification (germline): Conflicting classifications of pathogenicity. Review status: criteria provided, conflicting classifications (1 of 4 stars). 10 submissions from 9 submitters: Uncertain significance (9); Likely benign (1). Last evaluated 2026-06-10.

Conditions:
Inborn genetic diseases. Identifiers: MedGen C0950123, MeSH D030342.
SETX-related disorder. Also called: SETX-related condition; SETX-related disorders. Identifiers: MedGen CN239403.
Spinocerebellar ataxia, autosomal recessive, with axonal neuropathy 2 (SCAN2). Also called: Ataxia with Oculomotor Apraxia Type 2; ATAXIA-OCULOMOTOR APRAXIA 2; Ataxia-ocular apraxia-2; Ataxia with Oculomotor Apraxia. Identifiers: Orphanet 64753, MedGen C1853761, MONDO:0018996, OMIM 606002.
Amyotrophic lateral sclerosis type 4 (ALS4). Also called: AMYOTROPHIC LATERAL SCLEROSIS 4, JUVENILE; NEURONOPATHY, DISTAL HEREDITARY MOTOR, WITH PYRAMIDAL FEATURES. Identifiers: Orphanet 357043, MedGen C1865409, MONDO:0011223, OMIM 602433.

Allele frequency attached by ClinVar (database versions not stated): gnomAD exomes 0.00014; ExAC 0.00016; gnomAD 0.00020 and 0.00021; TOPMed 0.00024; ESP Exome Variant Server 0.00085.
gnomAD v4.1: 754 of 1,572,286 alleles (0.048%); highest among the groups gnomAD compares: Non-Finnish European, 0.063%; no homozygotes.

Submissions (10):

PreventionGenetics, part of Exact Sciences
Classification: Uncertain significance for SETX-related condition. Last evaluated: 2026-06-10. Review status: criteria provided, single submitter. Criteria: ACMG Guidelines, 2015. Collection method: clinical testing. Allele origin: germline.
Comment: The SETX c.1391C>T variant is predicted to result in the amino acid substitution p.Ser464Leu. This variant was reported in an individual with amyotrophic lateral sclerosis (Cady et al. 2015. PubMed ID: 25382069). However, it has also been reported in 0.025% of alleles in individuals of European (non-Finnish) descent in gnomAD (36 of 250,406 total alleles). At this time, the clinical significance of this variant is uncertain due to the absence of conclusive functional and genetic evidence.

Women's Health and Genetics/Laboratory Corporation of America, LabCorp
Classification: Uncertain significance. Last evaluated: 2026-02-24. Review status: criteria provided, single submitter. Criteria: LabCorp Variant Classification Summary - May 2015. Collection method: clinical testing. Allele origin: germline.
Comment: Variant summary: SETX c.1391C>T (p.Ser464Leu) results in a non-conservative amino acid change in the encoded protein sequence. Algorithms developed to predict the effect of missense changes on protein structure and function all suggest that this variant is likely to be disruptive. The variant allele was found at a frequency of 0.00014 in 219014 control chromosomes (gnomAD). This frequency is not significantly higher than estimated for disease-causing variants in SETX, allowing no conclusion about variant significance. c.1391C>T has been observed in one individual affected with amyotrophic lateral sclerosis (Cady_2015). The report does not provide unequivocal conclusions about association of the variant with Spinocerebellar ataxia, autosomal recessive, with axonal neuropathy 2. To our knowledge, no experimental evidence demonstrating an impact on protein function has been reported. The following publication have been ascertained in the context of this evaluation (PMID: 25382069). ClinVar contains an entry for this variant (Variation ID: 365372). Based on the evidence outlined above, the variant was classified as uncertain significance.

Labcorp Genetics (formerly Invitae), Labcorp
Classification: Likely benign for Amyotrophic lateral sclerosis type 4; Spinocerebellar ataxia, autosomal recessive, with axonal neuropathy 2. Last evaluated: 2026-01-28. Review status: criteria provided, single submitter. Criteria: Invitae Variant Classification Sherloc (09022015). Collection method: clinical testing. Allele origin: germline.

GeneDx
Classification: Uncertain significance. Last evaluated: 2025-11-10. Review status: criteria provided, single submitter. Criteria: GeneDx Variant Classification Process June 2021. Collection method: clinical testing. Allele origin: germline. Affected: yes.
Comment: Reported in heterozygous state in an individual with sporadic ALS in published literature (PMID: 25382069); In silico analysis suggests that this missense variant does not alter protein structure/function; This variant is associated with the following publications: (PMID: 25382069, 33333218)

Mayo Clinic Laboratories, Mayo Clinic
Classification: Uncertain significance. Last evaluated: 2025-05-29. Review status: criteria provided, single submitter. Criteria: ACMG Guidelines, 2015. Collection method: clinical testing. Allele origin: germline. Observed: 1 variant allele.

Blueprint Genetics
Classification: Uncertain significance. Last evaluated: 2024-06-27. Review status: criteria provided, single submitter. Criteria: ACMG Guidelines, 2015. Collection method: clinical testing. Allele origin: germline.

Athena Diagnostics
Classification: Uncertain significance. Last evaluated: 2022-09-28. Review status: criteria provided, single submitter. Criteria: Athena Diagnostics Criteria. Collection method: clinical testing. Allele origin: unknown.
Comment: Available data are insufficient to determine the clinical significance of the variant at this time. The frequency of this variant in the general population is higher than would generally be expected for pathogenic variants in this gene. Computational tools predict that this variant is damaging.

Ambry Genetics
Classification: Uncertain significance for Inborn genetic diseases. Last evaluated: 2022-02-28. Review status: criteria provided, single submitter. Criteria: Ambry Variant Classification Scheme 2023. Collection method: clinical testing. Allele origin: germline.
Comment: The p.S464L variant (also known as c.1391C>T), located in coding exon 8 of the SETX gene, results from a C to T substitution at nucleotide position 1391. The serine at codon 464 is replaced by leucine, an amino acid with dissimilar properties. The p.S464L alteration was reported in one patient with sporadic amyotrophic lateral sclerosis (ALS) among a cohort of 698 patients, and not seen among 84 cases of familial ALS (Cady J et al. Ann Neurol, 2015 Jan;77:100-13). This amino acid position is well conserved in available vertebrate species. In addition, the in silico prediction for this alteration is inconclusive. Based on the supporting evidence, this variant is unlikely to be causative of juvenile amyotrophic lateral sclerosis 4 (ALS4); however, its contribution to the development of spinocerebellar ataxia with axonal neuropathy 2 (SCAN2) is uncertain.

Illumina Laboratory Services, Illumina
Classification: Uncertain significance for Spinocerebellar ataxia, autosomal recessive, with axonal neuropathy 2. Last evaluated: 2018-01-13. Review status: criteria provided, single submitter. Criteria: ICSL Variant Classification Criteria 13 December 2019. Collection method: clinical testing. Allele origin: germline.

Illumina Laboratory Services, Illumina
Classification: Uncertain significance for Amyotrophic lateral sclerosis type 4. Last evaluated: 2018-01-13. Review status: criteria provided, single submitter. Criteria: ICSL Variant Classification Criteria 13 December 2019. Collection method: clinical testing. Allele origin: germline.

Literature cited by the submitters: PubMed 25382069 (cited by 3 submitters).

NM_015046.7(SETX):c.1391C>T (p.Ser464Leu)

Gene: SETX (senataxin; minus strand). Cytogenetic location: 9q34.13.
Variant type: single nucleotide variant.
Coding change: c.1391C>T on transcript NM_015046.7 (MANE Select); coding-DNA position 1391, C replaced by T.
Protein change: p.Ser464Leu; replaces serine 464 with leucine.
Molecular consequence: missense variant.
Genome position (GRCh38, 1-based): chr9:132,330,207, G>A on the plus strand (C>T on the coding strand, the complement: SETX is on the minus strand). VCF-style: chr9-132330207-G-A. GRCh37 (hg19) VCF-style: chr9-135205594-G-A.
Other names: c.1391C>T, p.Ser464Leu (NM_001351527.2, NM_001351528.2); short protein forms S464L.
Identifiers: ClinVar variation 365372 (VCV000365372.26), dbSNP rs200614765, ClinGen allele CA5297785.